The following is an entry in ClinVar:

NM_001367624.2(ZNF469):c.886G>A (p.Ala296Thr)

Gene: ZNF469 (zinc finger protein 469; plus strand). Cytogenetic location: 16q24.2.
Variant type: single nucleotide variant.
Coding change: c.886G>A on transcript NM_001367624.2 (MANE Select); coding-DNA position 886, G replaced by A.
Protein change: p.Ala296Thr; replaces alanine 296 with threonine.
Molecular consequence: missense variant.
Genome position (GRCh38, 1-based): chr16:88,428,356, G>A. VCF-style: chr16-88428356-G-A. GRCh37 (hg19) VCF-style: chr16-88494764-G-A.
Other names: NM_001127464.1:c.886G>A; short protein forms A296T.
Identifiers: ClinVar variation 1525593 (VCV001525593.4), dbSNP rs1375490839, ClinGen allele CA397062163.

ClinVar aggregate classification (germline): Uncertain significance. Review status: criteria provided, multiple submitters, no conflicts (2 of 4 stars). 3 submissions from 3 submitters: Uncertain significance (3). Last evaluated 2023-12-03.

Conditions:
Cardiovascular phenotype. Identifiers: MedGen CN230736.

Allele frequency attached by ClinVar (database versions not stated): gnomAD 0.00001 and 0.00002; TOPMed 0.00002.
gnomAD v4.1: 15 of 1,548,888 alleles (0.00097%); highest among the groups gnomAD compares: South Asian, 0.0036%; no homozygotes.

Submissions (3):

Ambry Genetics
Classification: Uncertain significance for Cardiovascular phenotype. Last evaluated: 2023-12-03. Review status: criteria provided, single submitter. Criteria: Ambry Variant Classification Scheme 2023. Collection method: clinical testing. Allele origin: germline.
Comment: The p.A296T variant (also known as c.886G>A), located in coding exon 1 of the ZNF469 gene, results from a G to A substitution at nucleotide position 886. The alanine at codon 296 is replaced by threonine, an amino acid with similar properties. This amino acid position is conserved. In addition, this alteration is predicted to be tolerated by in silico analysis. Since supporting evidence is limited at this time, the clinical significance of this alteration remains unclear.

GeneDx
Classification: Uncertain significance. Last evaluated: 2022-10-24. Review status: criteria provided, single submitter. Criteria: GeneDx Variant Classification Process June 2021. Collection method: clinical testing. Allele origin: germline. Affected: yes.
Comment: Has not been previously published as pathogenic or benign to our knowledge; Not observed at significant frequency in large population cohorts (gnomAD); In silico analysis supports that this missense variant does not alter protein structure/function

Labcorp Genetics (formerly Invitae), Labcorp
Classification: Uncertain significance. Last evaluated: 2021-10-22. Review status: criteria provided, single submitter. Criteria: Invitae Variant Classification Sherloc (09022015). Collection method: clinical testing. Allele origin: germline.
Comment: This sequence change replaces alanine, which is neutral and non-polar, with threonine, which is neutral and polar, at codon 296 of the ZNF469 protein (p.Ala296Thr). The frequency data for this variant in the population databases is considered unreliable, as metrics indicate poor data quality at this position in the gnomAD database. This variant has not been reported in the literature in individuals affected with ZNF469-related conditions. Algorithms developed to predict the effect of missense changes on protein structure and function output the following: SIFT: "Tolerated"; PolyPhen-2: "Benign"; Align-GVGD: "Class C0". The threonine amino acid residue is found in multiple mammalian species, which suggests that this missense change does not adversely affect protein function. In summary, the available evidence is currently insufficient to determine the role of this variant in disease. Therefore, it has been classified as a Variant of Uncertain Significance.